The following is an entry in ClinVar:

NM_054012.4(ASS1):c.467G>A (p.Gly156Asp)

Gene: ASS1 (argininosuccinate synthase 1; plus strand). Cytogenetic location: 9q34.11.
Variant type: single nucleotide variant.
Coding change: c.467G>A on transcript NM_054012.4 (MANE Select); coding-DNA position 467, G replaced by A.
Protein change: p.Gly156Asp; replaces glycine 156 with aspartic acid.
Molecular consequence: missense variant.
Genome position (GRCh38, 1-based): chr9:130,466,771, G>A. VCF-style: chr9-130466771-G-A. GRCh37 (hg19) VCF-style: chr9-133342158-G-A.
Other names: c.467G>A, p.Gly156Asp (NM_000050.4); short protein forms G156D.
Identifiers: ClinVar variation 4688391 (VCV004688391.2).

ClinVar aggregate classification (germline): Likely pathogenic. Review status: criteria provided, multiple submitters, no conflicts (2 of 4 stars). 2 submissions from 2 submitters: Likely pathogenic (2). Last evaluated 2025-12-11.

Conditions:
Citrullinemia type I (CTNL1). Also called: argininosuccinate synthetase deficiency; ASS DEFICIENCY. Identifiers: Orphanet 247525, MedGen C4721769, MONDO:0008988, OMIM 215700.
Citrullinemia. Identifiers: Orphanet 187, MedGen C0175683, MONDO:0015991.

Submissions (2):

Women's Health and Genetics/Laboratory Corporation of America, LabCorp
Classification: Likely pathogenic for Citrullinemia. Last evaluated: 2025-12-11. Review status: criteria provided, single submitter. Criteria: LabCorp Variant Classification Summary - May 2015. Collection method: clinical testing. Allele origin: germline.
Comment: Variant summary: ASS1 c.467G>A (p.Gly156Asp) results in a non-conservative amino acid change in the encoded protein sequence. Algorithms developed to predict the effect of missense changes on protein structure and function all suggest that this variant is likely to be disruptive. The variant was absent in 251338 control chromosomes. c.467G>A has been observed in individual(s) affected with Citrullinemia Type I (Zielonka_2019). These data indicate that the variant may be associated with disease. At least one publication reports experimental evidence evaluating an impact on protein function. The most pronounced variant effect results in less than 20% of normal activity. The following publication have been ascertained in the context of this evaluation (PMID: 31469252). No submitters have cited clinical-significance assessments for this variant to ClinVar. Based on the evidence outlined above, the variant was classified as likely pathogenic.

Natera, Inc.
Classification: Likely pathogenic for Citrullinemia type I. Last evaluated: 2025-02-28. Review status: criteria provided, single submitter. Criteria: Natera Variant Classification Schema (03/2026). Collection method: clinical testing. Allele origin: germline.
Comment: The c.467G>A variant in ASS1 is a missense variant predicted to cause substitution of glycine to aspartic acid at amino acid 156. This variant is rare in the general population with a frequency below the threshold expected for the associated phenotype(s). This variant has been observed in one or more individuals affected with the associated recessive disease, as either homozygous or compound heterozygous with a second variant (PMID: 31469252). Functional studies show that this variant may disrupt protein function (PMID: 31469252). Computational prediction algorithms indicate this variant is likely to affect gene or protein function. Given the available evidence, this variant is classified as Likely Pathogenic.

Literature cited by the submitters: PubMed 31469252 (cited by Women's Health and Genetics/Laboratory Corporation of America, LabCorp and Natera, Inc.).